The following is an entry in ClinVar:

NM_020458.4(TTC7A):c.935T>C (p.Met312Thr)

Gene: TTC7A (tetratricopeptide repeat domain 7A; plus strand). Cytogenetic location: 2p21.
Variant type: single nucleotide variant.
Coding change: c.935T>C on transcript NM_020458.4 (MANE Select); coding-DNA position 935, T replaced by C.
Protein change: p.Met312Thr; replaces methionine 312 with threonine.
Molecular consequence: missense variant. On other transcripts: intron variant (1).
Genome position (GRCh38, 1-based): chr2:46,994,448, T>C. VCF-style: chr2-46994448-T-C. GRCh37 (hg19) VCF-style: chr2-47221587-T-C.
Other names: c.935T>C, p.Met312Thr (NM_001288951.2); c.833T>C, p.Met278Thr (NM_001288953.2); c.-61-688T>C (NM_001288955.2); short protein forms M278T, M312T.
Identifiers: ClinVar variation 954025 (VCV000954025.7), dbSNP rs552879320, ClinGen allele CA1647413.
Genomic context (GRCh38, chr2:46,994,448, plus strand): 5'-TGCACTCCCTGAGTGAGGAGTGCTACTGGAGCCCCCTGTCCCACCCTCTGCCTGAGTTCA[T>C]GGGCAAGGAGGAGAGTTCTTTCGCCACTCAGGCCCTGCGGAAACCTCACCTCTATGAAGG-3'
Protein context (NP_065191.2, residues 302-322): SPLSHPLPEF[Met312Thr]GKEESSFATQ

ClinVar aggregate classification (germline): Uncertain significance (1 of 4 stars; one submission).

Conditions:
Multiple gastrointestinal atresias. Also called: Multiple intestinal atresia; FAMILIAL INTESTINAL POLYATRESIA SYNDROME. Identifiers: Orphanet 2300, MedGen C0220744, MONDO:0009465.

Allele frequency attached by ClinVar (database versions not stated): gnomAD below 0.00001 and 0.00005; gnomAD exomes 0.00004 and 0.00006; ExAC 0.00007; 1000 Genomes Project 30x 0.00016; 1000 Genomes Project 0.00020.
gnomAD v4.1: 61 of 1,614,042 alleles (0.0038%); highest among the groups gnomAD compares: South Asian, 0.061%; 1 homozygote.

Submission:

Labcorp Genetics (formerly Invitae), Labcorp
Classification: Uncertain significance for Multiple gastrointestinal atresias. Last evaluated: 2022-07-12. Review status: criteria provided, single submitter. Criteria: Invitae Variant Classification Sherloc (09022015). Collection method: clinical testing. Allele origin: germline.
Comment: This sequence change replaces methionine, which is neutral and non-polar, with threonine, which is neutral and polar, at codon 312 of the TTC7A protein (p.Met312Thr). This variant is present in population databases (rs552879320, gnomAD 0.05%). This variant has not been reported in the literature in individuals affected with TTC7A-related conditions. ClinVar contains an entry for this variant (Variation ID: 954025). Algorithms developed to predict the effect of missense changes on protein structure and function (SIFT, PolyPhen-2, Align-GVGD) all suggest that this variant is likely to be tolerated. In summary, the available evidence is currently insufficient to determine the role of this variant in disease. Therefore, it has been classified as a Variant of Uncertain Significance.